The following is an entry in ClinVar:

ClinVar aggregate classification (germline): Pathogenic (1 of 4 stars; one submission).

Conditions:
Cardiovascular phenotype. Identifiers: MedGen CN230736.

Submission:

Ambry Genetics
Classification: Pathogenic for Cardiovascular phenotype. Last evaluated: 2025-12-08. Review status: criteria provided, single submitter. Criteria: Ambry Variant Classification Scheme 2023. Collection method: clinical testing. Allele origin: germline.
Comment: The c.518delG variant, located in coding exon 4 of the ENG gene, results from a deletion of one nucleotide at nucleotide position 518, causing a translational frameshift with a predicted alternate stop codon (p.G173Afs*49). This variant is considered to be rare based on population cohorts in the Genome Aggregation Database (gnomAD). This alteration is expected to result in loss of function by premature protein truncation or nonsense-mediated mRNA decay. As such, this alteration is interpreted as a disease-causing mutation.

NM_001114753.3(ENG):c.518del (p.Gly173fs)

Gene: ENG (endoglin; minus strand). Cytogenetic location: 9q34.11.
Variant type: Deletion.
Coding change: c.518del on transcript NM_001114753.3 (MANE Select); coding-DNA position 518, one base deleted (G; older notation c.518delG).
Protein change: p.Gly173fs; shifts the reading frame from glycine 173.
Molecular consequence: frameshift variant. On other transcripts: 5 prime UTR variant (1).
Genome position (GRCh38, 1-based): chr9:127,826,515, C deleted on the plus strand (G on the coding strand, the reverse complement: ENG is on the minus strand); the first of 3 consecutive C bases (chr9:127,826,515-127,826,517); deleting any one gives the same sequence. VCF-style (leftmost placement, unchanged base first): chr9-127826514-GC-G. GRCh37 (hg19) VCF-style: chr9-130588793-GC-G.
Other names: c.518del, p.Gly173fs (NM_000118.4, NM_001406715.1); c.-29del (NM_001278138.2); short protein forms G173fs.
Identifiers: ClinVar variation 4614111 (VCV004614111.1).